The following is an entry in ClinVar:

ClinVar aggregate classification (germline): Uncertain significance (1 of 4 stars; one submission).

Submission:

Labcorp Genetics (formerly Invitae), Labcorp
Classification: Uncertain significance. Last evaluated: 2021-12-02. Review status: criteria provided, single submitter. Criteria: Invitae Variant Classification Sherloc (09022015). Collection method: clinical testing. Allele origin: germline.
Comment: This sequence change replaces serine, which is neutral and polar, with phenylalanine, which is neutral and non-polar, at codon 1417 of the EPRS protein (p.Ser1417Phe). This variant is not present in population databases (gnomAD no frequency). This variant has not been reported in the literature in individuals affected with EPRS-related conditions. Algorithms developed to predict the effect of missense changes on protein structure and function are either unavailable or do not agree on the potential impact of this missense change (SIFT: "Deleterious"; PolyPhen-2: "Benign"; Align-GVGD: "Class C0"). In summary, the available evidence is currently insufficient to determine the role of this variant in disease. Therefore, it has been classified as a Variant of Uncertain Significance.

NM_004446.3(EPRS1):c.4250C>T (p.Ser1417Phe)

Gene: EPRS1 (glutamyl-prolyl-tRNA synthetase 1; minus strand). Cytogenetic location: 1q41.
Variant type: single nucleotide variant.
Coding change: c.4250C>T on transcript NM_004446.3 (MANE Select); coding-DNA position 4250, C replaced by T.
Protein change: p.Ser1417Phe; replaces serine 1417 with phenylalanine.
Molecular consequence: missense variant.
Genome position (GRCh38, 1-based): chr1:219,972,142, G>A on the plus strand (C>T on the coding strand, the complement: EPRS1 is on the minus strand). VCF-style: chr1-219972142-G-A. GRCh37 (hg19) VCF-style: chr1-220145484-G-A.
Other names: short protein forms S1417F.
Identifiers: ClinVar variation 1680853 (VCV001680853.8), dbSNP rs2102558319, ClinGen allele CA344626083.